The following is an entry in ClinVar:

ClinVar aggregate classification (germline): Likely benign (1 of 4 stars; one submission).

Conditions:
AVIL-related disorder. Also called: AVIL-related condition.

gnomAD v4.1: 45 of 1,614,104 alleles (0.0028%); highest among the groups gnomAD compares: East Asian, 0.033%; no homozygotes.

Submission:

PreventionGenetics, part of Exact Sciences
Classification: Likely benign for AVIL-related condition. Last evaluated: 2025-10-14. Review status: criteria provided, single submitter. Criteria: ACMG Guidelines, 2015. Collection method: clinical testing. Allele origin: germline.
Comment: This variant is classified as likely benign based on ACMG/AMP sequence variant interpretation guidelines (Richards et al. 2015 PMID: 25741868, with internal and published modifications).

NM_006576.4(AVIL):c.1440G>A (p.Thr480=)

Gene: AVIL (advillin; minus strand). Cytogenetic location: 12q14.1.
Variant type: single nucleotide variant.
Coding change: c.1440G>A on transcript NM_006576.4 (MANE Select); coding-DNA position 1440, G replaced by A.
Protein change: p.Thr480=; no amino-acid change (threonine 480 retained).
Molecular consequence: synonymous variant.
Genome position (GRCh38, 1-based): chr12:57,807,382, C>T on the plus strand (G>A on the coding strand, the complement: AVIL is on the minus strand). VCF-style: chr12-57807382-C-T. GRCh37 (hg19) VCF-style: chr12-58201165-C-T.
Identifiers: ClinVar variation 5002237 (VCV005002237.1).
Genomic context (GRCh38, chr12:57,807,382, plus strand): 5'-CATCCTCACCTCAAAGATAACTAGCTTCCCTTTGAAGATGGCCATGAAGTGGCGTGGCTC[C>T]GTTCCCATCCTGACTCGAACCTGCACAGCAGCCCCATCAAACTGCCGATCCACCTCCACT-3'
Protein context (NP_006567.3, residues 470-490): AAVQVRVRMG[Thr480=]EPRHFMAIFK